The following is an entry in ClinVar:

ClinVar aggregate classification (germline): Pathogenic (1 of 4 stars; one submission).

Submission:

Labcorp Genetics (formerly Invitae), Labcorp
Classification: Pathogenic. Last evaluated: 2023-09-22. Review status: criteria provided, single submitter. Criteria: Invitae Variant Classification Sherloc (09022015). Collection method: clinical testing. Allele origin: germline.
Comment: This sequence change creates a premature translational stop signal (p.Phe383Leufs*17) in the FOXRED1 gene. While this is not anticipated to result in nonsense mediated decay, it is expected to disrupt the last 104 amino acid(s) of the FOXRED1 protein. For these reasons, this variant has been classified as Pathogenic. This variant disrupts a region of the FOXRED1 protein in which other variant(s) (p.Val421Met) have been determined to be pathogenic (PMID: 27215383, 32573669). This suggests that this is a clinically significant region of the protein, and that variants that disrupt it are likely to be disease-causing. This variant has not been reported in the literature in individuals affected with FOXRED1-related conditions. This variant is not present in population databases (gnomAD no frequency).

Literature cited by the submitters: PubMed 27215383; PubMed 32573669.

NM_017547.4(FOXRED1):c.1145dup (p.Phe383fs)

Gene: FOXRED1 (FAD dependent oxidoreductase domain containing 1; plus strand). Cytogenetic location: 11q24.2.
Variant type: Duplication.
Coding change: c.1145dup on transcript NM_017547.4 (MANE Select); coding-DNA position 1145, one base duplicated (T; older notation c.1145dupT).
Protein change: p.Phe383fs; shifts the reading frame from phenylalanine 383.
Molecular consequence: frameshift variant. On other transcripts: non-coding transcript variant (2).
Genome position (GRCh38, 1-based): chr11:126,277,114, T duplicated; the last of 3 consecutive T bases (chr11:126,277,112-126,277,114); duplicating any one gives the same sequence. VCF-style (leftmost placement, unchanged base first): chr11-126277111-A-AT. GRCh37 (hg19) VCF-style: chr11-126147006-A-AT.
Other names: c.1175dup, p.Phe393Leufs (NM_001425160.1); c.1145dup, p.Phe383Leufs (NM_001425161.1, NM_001425165.1, NM_001425166.1); c.1142dup, p.Phe382Leufs (NM_001425163.1, NM_001425164.1); c.1043dup, p.Phe349Leufs (NM_001425167.1); c.635dup, p.Phe213Leufs (NM_001425168.1, NM_001425169.1, NM_001425170.1); c.584dup, p.Phe196Leufs (NM_001425171.1, NM_001425172.1); c.512dup, p.Phe172Leufs (NM_001425173.1, NM_001425174.1); c.509dup, p.Phe171Leufs (NM_001425175.1); short protein forms F383fs.
Identifiers: ClinVar variation 2762776 (VCV002762776.3), dbSNP rs2497202625, ClinGen allele CA2697559059.